The following is an entry in ClinVar:

ClinVar aggregate classification (germline): Uncertain significance (1 of 4 stars; one submission).

gnomAD v4.1: 29 of 1,614,206 alleles (0.0018%); highest among the groups gnomAD compares: Non-Finnish European, 0.0025%; no homozygotes.

Submission:

Women's Health and Genetics/Laboratory Corporation of America, LabCorp
Classification: Uncertain significance. Last evaluated: 2024-10-16. Review status: criteria provided, single submitter. Criteria: LabCorp Variant Classification Summary - May 2015. Collection method: clinical testing. Allele origin: germline.
Comment: Variant summary: ABCC8 c.4595T>C (p.Val1532Ala) results in a non-conservative amino acid change located in the ABC transporter-like, ATP-binding domain (IPR003439) of the encoded protein sequence. Three of five in-silico tools predict a damaging effect of the variant on protein function. The variant was absent in 251358 control chromosomes. c.4595T>C has been reported in the literature in two compound heterozygous individuals in one family affected with Familial Hyperinsulinism (tringer_2024). These data indicate that the variant may be associated with disease. To our knowledge, no experimental evidence demonstrating an impact on protein function has been reported. The following publication have been ascertained in the context of this evaluation (PMID: 39153498). No submitters have cited clinical-significance assessments for this variant to ClinVar. Based on the evidence outlined above, the variant was classified as VUS-possibly pathogenic.

Literature cited by the submitters: PubMed 39153498.

NM_000352.6(ABCC8):c.4595T>C (p.Val1532Ala)

Gene: ABCC8 (ATP binding cassette subfamily C member 8; minus strand). Cytogenetic location: 11p15.1.
Variant type: single nucleotide variant.
Coding change: c.4595T>C on transcript NM_000352.6 (MANE Select); coding-DNA position 4595, T replaced by C.
Protein change: p.Val1532Ala; replaces valine 1532 with alanine.
Molecular consequence: missense variant. On other transcripts: non-coding transcript variant (1).
Genome position (GRCh38, 1-based): chr11:17,393,710, A>G on the plus strand (T>C on the coding strand, the complement: ABCC8 is on the minus strand). VCF-style: chr11-17393710-A-G. GRCh37 (hg19) VCF-style: chr11-17415257-A-G.
Other names: c.4598T>C, p.Val1533Ala (NM_001287174.3); c.4661T>C, p.Val1554Ala (NM_001351295.2); c.4595T>C, p.Val1532Ala (NM_001351296.2); c.4592T>C, p.Val1531Ala (NM_001351297.2); short protein forms V1531A, V1532A, V1533A, V1554A.
Identifiers: ClinVar variation 3385251 (VCV003385251.1).